The following is an entry in ClinVar:

ClinVar aggregate classification (germline): Pathogenic/Likely pathogenic. Review status: criteria provided, multiple submitters, no conflicts (2 of 4 stars). 5 submissions from 5 submitters: Pathogenic (4); Likely pathogenic (1). Last evaluated 2026-01-24.

Conditions:
Primary ciliary dyskinesia. Also called: Ciliary dyskinesia. Identifiers: Orphanet 244, MedGen C0008780, MONDO:0016575, HP:0012265.
Primary ciliary dyskinesia 7. Also called: CILIARY DYSKINESIA, PRIMARY, 7, WITH OR WITHOUT SITUS INVERSUS. Identifiers: Orphanet 244, MedGen C2678473, MONDO:0012748, OMIM 611884.

Allele frequency attached by ClinVar (database versions not stated): TOPMed below 0.00001; gnomAD exomes 0.00001; ExAC 0.00003.
gnomAD v4.1: 26 of 1,606,862 alleles (0.0016%); highest among the groups gnomAD compares: East Asian, 0.0045%; no homozygotes.

Submissions (5):

Labcorp Genetics (formerly Invitae), Labcorp
Classification: Pathogenic for Primary ciliary dyskinesia. Last evaluated: 2026-01-24. Review status: criteria provided, single submitter. Criteria: Invitae Variant Classification Sherloc (09022015). Collection method: clinical testing. Allele origin: germline.
Comment: This sequence change affects a donor splice site in intron 42 of the DNAH11 gene. It is expected to disrupt RNA splicing. Variants that disrupt the donor or acceptor splice site typically lead to a loss of protein function (PMID: 16199547), and loss-of-function variants in DNAH11 are known to be pathogenic (PMID: 18022865, 20513915, 22184204). This variant is present in population databases (rs771953930, gnomAD 0.003%). Disruption of this splice site has been observed in individual(s) with primary ciliary dyskinesia (PMID: 31765523, 32253119). ClinVar contains an entry for this variant (Variation ID: 873476). Algorithms developed to predict the effect of sequence changes on RNA splicing suggest that this variant may disrupt the consensus splice site. For these reasons, this variant has been classified as Pathogenic.

Dasa
Classification: Pathogenic. Last evaluated: 2025-02-27. Review status: criteria provided, single submitter. Criteria: DASA Assertion Criteria. Collection method: clinical testing. Allele origin: germline.
Comment: NM_001277115.2(DNAH11):c.6983+1G>A introduces a premature termination codon predicted to result in loss of normal protein function. Loss-of-function is an established mechanism of disease for this gene. This variant has been observed in affected individuals with related phenotype in a genotype context consistent with recessive disease (PMID: 31765523; PMID: 32253119). This variant has been recurrently observed in individuals with related phenotype (PMID: 31765523; PMID: 32253119). The variant is present at low frequency in population datasets. Based on the available data, this variant is classified as pathogenic.

Broad Center for Mendelian Genomics, Broad Institute of MIT and Harvard
Classification: Pathogenic for Primary ciliary dyskinesia 7. Last evaluated: 2025-02-14. Review status: criteria provided, single submitter. Criteria: ACMG Guidelines, 2015. Collection method: curation. Allele origin: germline. Inheritance: Autosomal recessive inheritance.
Comment: The c.6983+1G>A variant in DNAH11 has been reported in 2 individuals with primary ciliary dyskinesia (PMID: 31765523, 32253119), and has been identified in 0.004% (2/44656) of East Asian chromosomes by the Genome Aggregation Database (gnomAD; dbSNP rs771953930). Although this variant has been seen in the general population in a heterozygous state, its frequency is low enough to be consistent with a recessive carrier frequency. This variant has also been reported in ClinVar (Variation ID: 873476) and has been interpreted as likely pathogenic by UNC Molecular Genetics Laboratory (University of North Carolina at Chapel Hill). Of the 2 affected individuals, 1 of those was a a homozygote, which increases the likelihood that the c.6983+1G>A variant is pathogenic (PMID: 31765523). This variant is located in the 5'/3' splice region. Computational tools predict a splicing impact, though this information is not predictive enough to determine/rule out pathogenicity. Loss of function of the DNAH11 gene is an established disease mechanism in autosomal recessive primary ciliary dyskinesia. In summary, this variant meets criteria to be classified as pathogenic for autosomal recessive primary ciliary dyskinesia. ACMG/AMP Criteria applied: PVS1, PM2_supporting, PM3_supporting (Richards 2015).

Palindrome, Gene Kavoshgaran Aria
Classification: Pathogenic for Primary ciliary dyskinesia 7. Last evaluated: 2023-05-03. Review status: criteria provided, single submitter. Criteria: ACMG Guidelines, 2015. Collection method: clinical testing. Allele origin: germline. Inheritance: Autosomal recessive inheritance. Affected: yes. Observed: 1 homozygote.

UNC Molecular Genetics  Laboratory, University of North Carolina at Chapel Hill
Classification: Likely pathogenic for Ciliary dyskinesia, primary, 7. Review status: criteria provided, single submitter. Criteria: ACMG Guidelines, 2015. Collection method: research. Allele origin: germline. Affected: no. Observed: 1 variant allele. Study: NSIGHT-NC NEXUS.
Comment: The DNAH11 c.6983+1G>A (p.?) variant is predicted to alter a canonical mRNA splice donor site, which may result in an abnormal protein. To our knowledge, it has not been described in the literature.

carrier finding

Literature cited by the submitters: PubMed 16199547 (cited by Labcorp Genetics (formerly Invitae), Labcorp); PubMed 18022865 (cited by Labcorp Genetics (formerly Invitae), Labcorp); PubMed 20513915 (cited by Labcorp Genetics (formerly Invitae), Labcorp); PubMed 22184204 (cited by Labcorp Genetics (formerly Invitae), Labcorp); PubMed 31765523 (cited by Labcorp Genetics (formerly Invitae), Labcorp and Dasa); PubMed 32253119 (cited by Labcorp Genetics (formerly Invitae), Labcorp and Dasa); PubMed 20301301 (cited by UNC Molecular Genetics  Laboratory, University of North Carolina at Chapel Hill).

NM_001277115.2(DNAH11):c.6983+1G>A

Gene: DNAH11 (dynein axonemal heavy chain 11; plus strand). Cytogenetic location: 7p15.3.
Variant type: single nucleotide variant.
Coding change: c.6983+1G>A on transcript NM_001277115.2 (MANE Select); the canonical splice donor site of the intron after coding-DNA position 6983, G replaced by A.
Molecular consequence: splice donor variant.
Genome position (GRCh38, 1-based): chr7:21,711,861, G>A. VCF-style: chr7-21711861-G-A. GRCh37 (hg19) VCF-style: chr7-21751479-G-A.
Identifiers: ClinVar variation 873476 (VCV000873476.7), dbSNP rs771953930, ClinGen allele CA4181054.
Genomic context (GRCh38, chr7:21,711,861, plus strand): 5'-GGCCACTGTTTCCAGAGCTGGTATTCTGTATGTGAACCCACAAGATCTGGGCTGGAATCC[G>A]TGAGTATTTCTTTTTGTTTTATTGTAGTAAATTGTATGTAACATAACATTTACCATTTTC-3'